The following is an entry in ClinVar:

NM_018993.4(RIN2):c.697G>C (p.Asp233His)

Gene: RIN2 (Ras and Rab interactor 2; plus strand). Cytogenetic location: 20p11.23.
Variant type: single nucleotide variant.
Coding change: c.697G>C on transcript NM_018993.4 (MANE Select); coding-DNA position 697, G replaced by C.
Protein change: p.Asp233His; replaces aspartic acid 233 with histidine.
Molecular consequence: missense variant.
Genome position (GRCh38, 1-based): chr20:19,974,722, G>C. VCF-style: chr20-19974722-G-C. GRCh37 (hg19) VCF-style: chr20-19955366-G-C.
Other names: c.844G>C, p.Asp282His (NM_001242581.2); c.79G>C, p.Asp27His (NM_001378238.1); short protein forms D27H, D282H, D233H.
Identifiers: ClinVar variation 1472901 (VCV001472901.6), dbSNP rs369175510, ClinGen allele CA9779911.

ClinVar aggregate classification (germline): Uncertain significance (1 of 4 stars; one submission).

Allele frequency attached by ClinVar (database versions not stated): ExAC 0.00001; ESP Exome Variant Server 0.00008.
gnomAD v4.1: 3 of 1,613,928 alleles (0.00019%); highest among the groups gnomAD compares: Admixed American, 0.0017%; no homozygotes.

Submission:

Labcorp Genetics (formerly Invitae), Labcorp
Classification: Uncertain significance. Last evaluated: 2021-10-10. Review status: criteria provided, single submitter. Criteria: Invitae Variant Classification Sherloc (09022015). Collection method: clinical testing. Allele origin: germline.
Comment: In summary, the available evidence is currently insufficient to determine the role of this variant in disease. Therefore, it has been classified as a Variant of Uncertain Significance. Algorithms developed to predict the effect of missense changes on protein structure and function are either unavailable or do not agree on the potential impact of this missense change (SIFT: "Tolerated"; PolyPhen-2: "Not Available"; Align-GVGD: "Class C0"). This variant has not been reported in the literature in individuals affected with RIN2-related conditions. This variant is present in population databases (rs369175510, ExAC 0.001%). This sequence change replaces aspartic acid with histidine at codon 233 of the RIN2 protein (p.Asp233His). The aspartic acid residue is weakly conserved and there is a moderate physicochemical difference between aspartic acid and histidine.